The following is an entry in ClinVar:

ClinVar aggregate classification (germline): Uncertain significance (1 of 4 stars; one submission).

gnomAD v4.1: 8 of 1,614,022 alleles (0.0005%); highest among the groups gnomAD compares: Non-Finnish European, 0.00068%; no homozygotes.

Submission:

Labcorp Genetics (formerly Invitae), Labcorp
Classification: Uncertain significance. Last evaluated: 2025-05-04. Review status: criteria provided, single submitter. Criteria: Invitae Variant Classification Sherloc (09022015). Collection method: clinical testing. Allele origin: germline.
Comment: This sequence change replaces isoleucine, which is neutral and non-polar, with methionine, which is neutral and non-polar, at codon 214 of the SIAE protein (p.Ile214Met). This variant is present in population databases (rs777190714, gnomAD 0.002%). This variant has not been reported in the literature in individuals affected with SIAE-related conditions. ClinVar contains an entry for this variant (Variation ID: 1721313). An algorithm developed to predict the effect of missense changes on protein structure and function (PolyPhen-2) suggests that this variant is likely to be disruptive. In summary, the available evidence is currently insufficient to determine the role of this variant in disease. Therefore, it has been classified as a Variant of Uncertain Significance.

NM_170601.5(SIAE):c.642C>G (p.Ile214Met)

Gene: SIAE (sialic acid acetylesterase; minus strand). Cytogenetic location: 11q24.2.
Variant type: single nucleotide variant.
Coding change: c.642C>G on transcript NM_170601.5 (MANE Select); coding-DNA position 642, C replaced by G.
Protein change: p.Ile214Met; replaces isoleucine 214 with methionine.
Molecular consequence: missense variant.
Genome position (GRCh38, 1-based): chr11:124,649,699, G>C on the plus strand (C>G on the coding strand, the complement: SIAE is on the minus strand). VCF-style: chr11-124649699-G-C. GRCh37 (hg19) VCF-style: chr11-124519595-G-C.
Other names: c.537C>G, p.Ile179Met (NM_001199922.2); short protein forms I179M, I214M.
Identifiers: ClinVar variation 1721313 (VCV001721313.5), dbSNP rs777190714, ClinGen allele CA6341454.